The following is an entry in ClinVar:

NM_001134407.3(GRIN2A):c.2443G>C (p.Asp815His)

Gene: GRIN2A (glutamate ionotropic receptor NMDA type subunit 2A; minus strand). Cytogenetic location: 16p13.2.
Variant type: single nucleotide variant.
Coding change: c.2443G>C on transcript NM_001134407.3 (MANE Select); coding-DNA position 2443, G replaced by C.
Protein change: p.Asp815His; replaces aspartic acid 815 with histidine.
Molecular consequence: missense variant.
Genome position (GRCh38, 1-based): chr16:9,769,003, C>G on the plus strand (G>C on the coding strand, the complement: GRIN2A is on the minus strand). VCF-style: chr16-9769003-C-G. GRCh37 (hg19) VCF-style: chr16-9862860-C-G.
Other names: c.2443G>C, p.Asp815His (NM_000833.5, NM_001134408.2); short protein forms D815H.
Identifiers: ClinVar variation 1516485 (VCV001516485.6), dbSNP rs2141150983, ClinGen allele CA394710126.
Genomic context (GRCh38, chr16:9,769,003, plus strand): 5'-AGGTGATGAGGCTAAGGGCCATGGCGGCAGCCAGCATGTAGAATACGCCCGCCATGTTGT[C>G]AATGTCCAGCTGGCTGCTCATCACCTCGTTCTTCTCGTTGTGGCAGATCCCAGTGAGCCA-3'
Protein context (NP_001127879.1, residues 805-825): NEVMSSQLDI[Asp815His]NMAGVFYMLA

ClinVar aggregate classification (germline): Uncertain significance (1 of 4 stars; one submission).

Conditions:
Landau-Kleffner syndrome (FESD). Also called: EPILEPSY, FOCAL, WITH SPEECH DISORDER AND WITH OR WITHOUT MENTAL RETARDATION; APHASIA, ACQUIRED, WITH EPILEPSY. Identifiers: Orphanet 1945, Orphanet 725, Orphanet 98818, MedGen C0282512, MONDO:0009509, OMIM 245570.

Submission:

Labcorp Genetics (formerly Invitae), Labcorp
Classification: Uncertain significance for Landau-Kleffner syndrome. Last evaluated: 2021-11-10. Review status: criteria provided, single submitter. Criteria: Invitae Variant Classification Sherloc (09022015). Collection method: clinical testing. Allele origin: germline.
Comment: Advanced modeling of protein sequence and biophysical properties (such as structural, functional, and spatial information, amino acid conservation, physicochemical variation, residue mobility, and thermodynamic stability) performed at Invitae indicates that this missense variant is expected to disrupt GRIN2A protein function. In summary, the available evidence is currently insufficient to determine the role of this variant in disease. Therefore, it has been classified as a Variant of Uncertain Significance. This missense change has been observed in at least one individual who was not affected with GRIN2A-related conditions (Invitae). This variant has not been reported in the literature in individuals affected with GRIN2A-related conditions. This variant is not present in population databases (gnomAD no frequency). This sequence change replaces aspartic acid, which is acidic and polar, with histidine, which is basic and polar, at codon 815 of the GRIN2A protein (p.Asp815His).